The following is an entry in ClinVar:

NM_032444.4(SLX4):c.1701C>T (p.Pro567=)

Gene: SLX4 (SLX4 structure-specific endonuclease subunit; minus strand). Cytogenetic location: 16p13.3.
Variant type: single nucleotide variant.
Coding change: c.1701C>T on transcript NM_032444.4 (MANE Select); coding-DNA position 1701, C replaced by T.
Protein change: p.Pro567=; no amino-acid change (proline 567 retained).
Molecular consequence: synonymous variant.
Genome position (GRCh38, 1-based): chr16:3,596,376, G>A on the plus strand (C>T on the coding strand, the complement: SLX4 is on the minus strand). VCF-style: chr16-3596376-G-A. GRCh37 (hg19) VCF-style: chr16-3646377-G-A.
Identifiers: ClinVar variation 701470 (VCV000701470.21), dbSNP rs776750571, ClinGen allele CA7866433.

ClinVar aggregate classification (germline): Likely benign. Review status: criteria provided, multiple submitters, no conflicts (2 of 4 stars). 4 submissions from 4 submitters: Likely benign (4). Last evaluated 2025-08-19.

Conditions:
Fanconi anemia (FA). Also called: Fanconi's anemia. Identifiers: Orphanet 84, MedGen C0015625, MeSH D005199, MONDO:0019391.

Allele frequency attached by ClinVar (database versions not stated): gnomAD 0.00007; TOPMed 0.00008.
gnomAD v4.1: 38 of 1,596,594 alleles (0.0024%); highest among the groups gnomAD compares: Middle Eastern, 0.017%; no homozygotes.

Submissions (4):

Labcorp Genetics (formerly Invitae), Labcorp
Classification: Likely benign for Fanconi anemia. Last evaluated: 2025-08-19. Review status: criteria provided, single submitter. Criteria: Invitae Variant Classification Sherloc (09022015). Collection method: clinical testing. Allele origin: germline.

CeGaT Center for Human Genetics Tuebingen
Classification: Likely benign. Last evaluated: 2025-05-01. Review status: criteria provided, single submitter. Criteria: CeGaT Center For Human Genetics Tuebingen Variant Classification Criteria Version 2. Collection method: clinical testing. Allele origin: germline. Affected: yes. Observed: 1 variant allele.
Comment: SLX4: BP4, BP7

Blueprint Genetics
Classification: Likely benign. Last evaluated: 2024-06-14. Review status: criteria provided, single submitter. Criteria: ACMG Guidelines, 2015. Collection method: clinical testing. Allele origin: germline.

Sema4
Classification: Likely benign for Fanconi anemia. Last evaluated: 2021-12-13. Review status: criteria provided, single submitter. Criteria: Sema4 Curation Guidelines. Collection method: curation. Allele origin: germline.